The following is an entry in ClinVar:

NM_001363540.2(DOCK4):c.3316-7G>A

Gene: DOCK4 (dedicator of cytokinesis 4; minus strand). Cytogenetic location: 7q31.1.
Variant type: single nucleotide variant.
Coding change: c.3316-7G>A on transcript NM_001363540.2 (MANE Select); 7 bases into the intron before coding-DNA position 3316, G replaced by A.
Molecular consequence: intron variant.
Genome position (GRCh38, 1-based): chr7:111,788,754, C>T on the plus strand (G>A on the coding strand, the complement: DOCK4 is on the minus strand). VCF-style: chr7-111788754-C-T. GRCh37 (hg19) VCF-style: chr7-111428810-C-T.
Other names: c.3316-7G>A (NM_014705.4).
Identifiers: ClinVar variation 4872515 (VCV004872515.2).

ClinVar aggregate classification (germline): Likely benign (1 of 4 stars; one submission).

gnomAD v4.1: 205 of 1,579,286 alleles (0.013%); highest among the groups gnomAD compares: Non-Finnish European, 0.016%; no homozygotes.

Submission:

CeGaT Center for Human Genetics Tuebingen
Classification: Likely benign. Last evaluated: 2026-06-01. Review status: criteria provided, single submitter. Criteria: CeGaT Center For Human Genetics Tuebingen Variant Classification Criteria Version 2. Collection method: clinical testing. Allele origin: germline. Affected: yes. Observed: 1 variant allele.
Comment: DOCK4: BP4